The following is an entry in ClinVar:

NM_000539.3(RHO):c.*43C>A

Gene: RHO (rhodopsin; plus strand). Cytogenetic location: 3q22.1.
Variant type: single nucleotide variant.
Coding change: c.*43C>A on transcript NM_000539.3 (MANE Select); 43 bases downstream of the stop codon, C replaced by A.
Molecular consequence: 3 prime UTR variant.
Genome position (GRCh38, 1-based): chr3:129,533,761, C>A. VCF-style: chr3-129533761-C-A. GRCh37 (hg19) VCF-style: chr3-129252604-C-A.
Identifiers: ClinVar variation 256382 (VCV000256382.11), dbSNP rs2071093, ClinGen allele CA2607379.

ClinVar aggregate classification (germline): Benign. Review status: criteria provided, multiple submitters, no conflicts (2 of 4 stars). 7 submissions from 5 submitters: Benign (7). Last evaluated 2021-11-07.

Conditions:
Retinitis pigmentosa (RP). Identifiers: Orphanet 791, MedGen C0035334, MeSH D012174, MONDO:0019200, OMIM 268000. Inheritance: Autosomal dominant, autosomal recessive and X linked inheritance.
Pigmentary retinal dystrophy. Also called: Fundus albipunctatus. Identifiers: Orphanet 227796, Orphanet 52427, MedGen C0311338, MONDO:0007639, OMIM 136880, HP:0030642.
Congenital stationary night blindness autosomal dominant 1. Also called: NIGHT BLINDNESS, CONGENITAL STATIONARY, RHODOPSIN-RELATED. Identifiers: Orphanet 215, MedGen C1864869, MONDO:0012498, OMIM 610445.
Retinitis pigmentosa 4 (RP4). Also called: RETINITIS PIGMENTOSA, RHODOPSIN-RELATED. Identifiers: Orphanet 791, MedGen C3151001, MONDO:0013395, OMIM 613731.

Allele frequency attached by ClinVar (database versions not stated): TOPMed 0.07968; ESP Exome Variant Server 0.08073; 1000 Genomes Project 0.08407; 1000 Genomes Project 30x 0.08542.

Submissions (7):

Genome-Nilou Lab
Classification: Benign for Retinitis pigmentosa 4. Last evaluated: 2021-11-07. Review status: criteria provided, single submitter. Criteria: ACMG Guidelines, 2015. Collection method: clinical testing. Allele origin: germline. Affected: no.

Genome-Nilou Lab
Classification: Benign for Pigmentary retinal dystrophy. Last evaluated: 2021-11-07. Review status: criteria provided, single submitter. Criteria: ACMG Guidelines, 2015. Collection method: clinical testing. Allele origin: germline. Affected: no.

Illumina Laboratory Services, Illumina
Classification: Benign for Retinitis pigmentosa. Last evaluated: 2018-01-13. Review status: criteria provided, single submitter. Criteria: ICSL Variant Classification Criteria 13 December 2019. Collection method: clinical testing. Allele origin: germline.
Comment: This variant was observed in the ICSL laboratory as part of a predisposition screen in an ostensibly healthy population. It had not been previously curated by ICSL or reported in the Human Gene Mutation Database (HGMD: prior to June 1st, 2018), and was therefore a candidate for classification through an automated scoring system. Utilizing variant allele frequency, disease prevalence and penetrance estimates, and inheritance mode, an automated score was calculated to assess if this variant is too frequent to cause the disease. Based on the score and internal cut-off values, a variant classified as benign is not then subjected to further curation. The score for this variant resulted in a classification of benign for this disease.

Illumina Laboratory Services, Illumina
Classification: Benign for Congenital stationary night blindness autosomal dominant 1. Last evaluated: 2018-01-13. Review status: criteria provided, single submitter. Criteria: ICSL Variant Classification Criteria 13 December 2019. Collection method: clinical testing. Allele origin: germline.
Comment: the same text as in the submission from Illumina Laboratory Services, Illumina above.

GeneDx
Classification: Benign. Last evaluated: 2015-03-03. Review status: criteria provided, single submitter. Criteria: GeneDx Variant Classification Process June 2021. Collection method: clinical testing. Allele origin: germline. Affected: yes.

Breakthrough Genomics
Classification: Benign. Review status: criteria provided, single submitter. Criteria: ACMG Guidelines, 2015. Collection method: not provided. Allele origin: germline. Inheritance: Autosomal dominant inheritance. Affected: yes.

PreventionGenetics, part of Exact Sciences
Classification: Benign. Review status: criteria provided, single submitter. Criteria: ACMG Guidelines, 2015. Collection method: clinical testing. Allele origin: germline.